The following is an entry in ClinVar:

NM_014915.3(ANKRD26):c.1096G>A (p.Gly366Ser)

Gene: ANKRD26 (ankyrin repeat domain containing 26; minus strand). Cytogenetic location: 10p12.1.
Variant type: single nucleotide variant.
Coding change: c.1096G>A on transcript NM_014915.3 (MANE Select); coding-DNA position 1096, G replaced by A.
Protein change: p.Gly366Ser; replaces glycine 366 with serine.
Molecular consequence: missense variant.
Genome position (GRCh38, 1-based): chr10:27,067,268, C>T on the plus strand (G>A on the coding strand, the complement: ANKRD26 is on the minus strand). VCF-style: chr10-27067268-C-T. GRCh37 (hg19) VCF-style: chr10-27356197-C-T.
Other names: c.1096G>A, p.Gly366Ser (NM_001256053.2); short protein forms G366S.
Identifiers: ClinVar variation 4104004 (VCV004104004.1).
Genomic context (GRCh38, chr10:27,067,268, plus strand): 5'-TTGTTTGCTCTAGTGGAGCACTTTCAATAATATCAATACCATTTTCTTTTTTTGCAATGC[C>T]TGGCTTTGTTGGTTCTTCCTATTAAAAACAAAAACAAACAAACAAAAAACTTCAGAAAAC-3'
Protein context (NP_055730.2, residues 356-376): GLMKEEPTKP[Gly366Ser]IAKKENGIDI

ClinVar aggregate classification (germline): Uncertain significance (1 of 4 stars; one submission).

Conditions:
Inborn genetic diseases. Identifiers: MedGen C0950123, MeSH D030342.

Submission:

Ambry Genetics
Classification: Uncertain significance for Inborn genetic diseases. Last evaluated: 2025-08-02. Review status: criteria provided, single submitter. Criteria: Ambry Variant Classification Scheme 2023. Collection method: clinical testing. Allele origin: germline.
Comment: The p.G366S variant (also known as c.1096G>A), located in coding exon 10 of the ANKRD26 gene, results from a G to A substitution at nucleotide position 1096. The glycine at codon 366 is replaced by serine, an amino acid with similar properties. This amino acid position is conserved. In addition, this alteration is predicted to be tolerated by in silico analysis. Based on the available evidence, the clinical significance of this variant remains unclear.